The following is an entry in ClinVar:

ClinVar aggregate classification (germline): Uncertain significance (1 of 4 stars; one submission).

Conditions:
Inborn genetic diseases. Identifiers: MedGen C0950123, MeSH D030342.

Submission:

Ambry Genetics
Classification: Uncertain significance for Inborn genetic diseases. Last evaluated: 2021-12-29. Review status: criteria provided, single submitter. Criteria: Ambry Variant Classification Scheme 2023. Collection method: clinical testing. Allele origin: germline.
Comment: The p.P424H variant (also known as c.1271C>A), located in coding exon 12 of the AKT1 gene, results from a C to A substitution at nucleotide position 1271. The proline at codon 424 is replaced by histidine, an amino acid with similar properties. This amino acid position is conserved. In addition, this alteration is predicted to be deleterious by in silico analysis. Since supporting evidence is limited at this time, the clinical significance of this alteration remains unclear.

NM_001382430.1(AKT1):c.1271C>A (p.Pro424His)

Gene: AKT1 (AKT serine/threonine kinase 1; minus strand). Cytogenetic location: 14q32.33.
Variant type: single nucleotide variant.
Coding change: c.1271C>A on transcript NM_001382430.1 (MANE Select); coding-DNA position 1271, C replaced by A.
Protein change: p.Pro424His; replaces proline 424 with histidine.
Molecular consequence: missense variant.
Genome position (GRCh38, 1-based): chr14:104,770,837, G>T on the plus strand (C>A on the coding strand, the complement: AKT1 is on the minus strand). VCF-style: chr14-104770837-G-T. GRCh37 (hg19) VCF-style: chr14-105237174-G-T.
Other names: c.1271C>A, p.Pro424His (NM_001014431.2, NM_001014432.2, NM_001382431.1 and 3 more transcripts); short protein forms P424H.
Identifiers: ClinVar variation 1765535 (VCV001765535.2), dbSNP rs2542103685, ClinGen allele CA391214774.